The following is an entry in ClinVar:

NM_020937.4(FANCM):c.4780-2A>G

Gene: FANCM (FA complementation group M; plus strand). Cytogenetic location: 14q21.2.
Variant type: single nucleotide variant.
Coding change: c.4780-2A>G on transcript NM_020937.4 (MANE Select); the canonical splice acceptor site of the intron before coding-DNA position 4780, A replaced by G.
Molecular consequence: splice acceptor variant.
Genome position (GRCh38, 1-based): chr14:45,188,800, A>G. VCF-style: chr14-45188800-A-G. GRCh37 (hg19) VCF-style: chr14-45658003-A-G.
Other names: c.4702-2A>G (NM_001308133.2).
Identifiers: ClinVar variation 939844 (VCV000939844.8), dbSNP rs1889569618, ClinGen allele CA389610555.
Genomic context (GRCh38, chr14:45,188,800, plus strand): 5'-TATTTTAAATACCTGTTAATTGTCTGAAATAAATATAAAACATTCTTGTGTTTTTATTGT[A>G]GATTCCTGAACAAGATGAAACCTATTTAGAGGATAGTTTTTGTGTTGATGAAGAGGAGTC-3'

ClinVar aggregate classification (germline): Likely pathogenic (1 of 4 stars; one submission).

Conditions:
Fanconi anemia (FA). Also called: Fanconi's anemia. Identifiers: Orphanet 84, MedGen C0015625, MeSH D005199, MONDO:0019391.

Allele frequency attached by ClinVar (database versions not stated): gnomAD exomes below 0.00001.
gnomAD v4.1: 1 of 1,601,874 alleles (0.000062%); highest among the groups gnomAD compares: Non-Finnish European, 0.000085%; no homozygotes.

Submission:

Labcorp Genetics (formerly Invitae), Labcorp
Classification: Likely pathogenic for Fanconi anemia. Last evaluated: 2024-04-29. Review status: criteria provided, single submitter. Criteria: Invitae Variant Classification Sherloc (09022015). Collection method: clinical testing. Allele origin: germline.
Comment: This sequence change affects an acceptor splice site in intron 19 of the FANCM gene. It is expected to disrupt RNA splicing. Variants that disrupt the donor or acceptor splice site typically lead to a loss of protein function (PMID: 16199547), and loss-of-function variants in FANCM are known to be pathogenic (PMID: 29895858, 30075111). This variant is not present in population databases (gnomAD no frequency). This variant has not been reported in the literature in individuals affected with FANCM-related conditions. ClinVar contains an entry for this variant (Variation ID: 939844). Algorithms developed to predict the effect of sequence changes on RNA splicing suggest that this variant may disrupt the consensus splice site. In summary, the currently available evidence indicates that the variant is pathogenic, but additional data are needed to prove that conclusively. Therefore, this variant has been classified as Likely Pathogenic.

Literature cited by the submitters: PubMed 16199547; PubMed 29895858; PubMed 30075111.